The following is an entry in ClinVar:

ClinVar aggregate classification (germline): Likely pathogenic (1 of 4 stars; one submission).

Conditions:
Fabry disease. Also called: ALPHA-GALACTOSIDASE A DEFICIENCY; ANDERSON-FABRY DISEASE; CERAMIDE TRIHEXOSIDASE DEFICIENCY; GLA DEFICIENCY; HEREDITARY DYSTOPIC LIPIDOSIS; Angiokeratoma corporis diffusum. Identifiers: Orphanet 324, MedGen C0002986, MONDO:0010526, OMIM 301500, HP:0001071. Disease mechanism: Fabry disease is due to inactivating mutations in the X-linked GLA gene resulting in deficiency of the enzyme Alpha Galactosidase-A., loss of function.

Submission:

Genomenon, Inc
Classification: Likely pathogenic for Fabry disease. Last evaluated: 2026-09-08. Review status: criteria provided, single submitter. Criteria: Genomenon Sequence Variant Interpretation Standards - Updated. Collection method: curation. Allele origin: germline. Affected: yes.
Comment: GLA p.Ile303Phe (c.907A>T) is a missense variant that changes the amino acid at codon 303 from Isoleucine to Phenylalanine. This variant has been observed in at least one proband with clinical features consistent with Fabry disease (PMID:29476735;31242288). A de novo occurrence of this variant has been observed in at least one affected individual (PMID:29476735). Functional or patient cell studies have been reported (PMID:30755957;29476735;27083555;28069318). It is absent or not present at a significant frequency in gnomAD. In silico models predict that this variant is possibly or probably damaging. In conclusion, we classify GLA p.Ile303Phe (c.907A>T) as a likely pathogenic variant.

Literature cited by the submitters: PubMed 29476735; PubMed 31242288; PubMed 30755957; PubMed 27083555; PubMed 28069318.

NM_000169.3(GLA):c.907A>T (p.Ile303Phe)

Genes: GLA (galactosidase alpha; minus strand), RPL36A-HNRNPH2 (RPL36A-HNRNPH2 readthrough; plus strand). Cytogenetic location: Xq22.1.
Variant type: single nucleotide variant.
Coding change: c.907A>T on transcript NM_000169.3 (MANE Select); coding-DNA position 907, A replaced by T.
Protein change: p.Ile303Phe; replaces isoleucine 303 with phenylalanine.
Molecular consequence: missense variant. On other transcripts: non-coding transcript variant (3), intron variant (2).
Genome position (GRCh38, 1-based): chrX:101,398,462, T>A on the plus strand (A>T on the coding strand, the complement: GLA is on the minus strand). VCF-style: chrX-101398462-T-A. GRCh37 (hg19) VCF-style: chrX-100653450-T-A.
Other names: c.1030A>T, p.Ile344Phe (NM_001406747.1); c.907A>T, p.Ile303Phe (NM_001406748.1); c.300+3005T>A (NM_001199973.2); c.177+6640T>A (NM_001199974.2); short protein forms I303F, I344F.
Identifiers: ClinVar variation 4087575 (VCV004087575.2), dbSNP rs869312445.